The following is an entry in ClinVar:

NM_001005361.3(DNM2):c.2571_2593dup (p.Glu865fs)

Gene: DNM2 (dynamin 2; plus strand). Cytogenetic location: 19p13.2.
Variant type: Duplication.
Coding change: c.2571_2593dup on transcript NM_001005361.3 (MANE Select); coding-DNA positions 2571 to 2593, 23 bases duplicated (GCCCACCATTATCCGCCCAGCCG).
Protein change: p.Glu865fs; shifts the reading frame from glutamic acid 865.
Molecular consequence: frameshift variant.
Genome position (GRCh38, 1-based): chr19:10,831,005-10,831,027, GCCCACCATTATCCGCCCAGCCG duplicated; duplicating any 23 consecutive bases within chr19:10,830,995-10,831,027 gives the same sequence; the c. name uses the placement nearest the transcript's 3' end. VCF-style (leftmost placement, unchanged base first): chr19-10830994-G-GCGCCCAGCCGGCCCACCATTATC. GRCh37 (hg19) VCF-style: chr19-10941670-G-GCGCCCAGCCGGCCCACCATTATC.
Other names: c.2571_2593dup, p.Glu865fs (NM_001005360.3); c.2559_2581dup, p.Glu861fs (NM_001005362.3, NM_004945.4); c.2568_2590dup, p.Glu864fs (NM_001190716.2); short protein forms E861fs, E865fs, E864fs.
Identifiers: ClinVar variation 1496376 (VCV001496376.8), dbSNP rs2146213977, ClinGen allele CA2573155560.

ClinVar aggregate classification (germline): Uncertain significance (1 of 4 stars; one submission).

Conditions:
Charcot-Marie-Tooth disease dominant intermediate B (CMTDIB). Also called: CHARCOT-MARIE-TOOTH NEUROPATHY, DOMINANT INTERMEDIATE B; Charcot-Marie-Tooth disease dominant intermediate 1; CMT DI1; Charcot-Marie-Tooth disease dominant intermediate I. Identifiers: Orphanet 100044, Orphanet 228179, MedGen C1847902, MONDO:0011674, OMIM 606482.

Submission:

Labcorp Genetics (formerly Invitae), Labcorp
Classification: Uncertain significance for Charcot-Marie-Tooth disease dominant intermediate B. Last evaluated: 2021-02-16. Review status: criteria provided, single submitter. Criteria: Invitae Variant Classification Sherloc (09022015). Collection method: clinical testing. Allele origin: germline.
Comment: This sequence change results in a frameshift in the DNM2 gene (p.Glu865Glyfs*58). While this is not anticipated to result in nonsense mediated decay, it is expected to disrupt the last 6 amino acid(s) of the DNM2 protein and extend the protein by 51 additional amino acid residues. This variant is not present in population databases (ExAC no frequency). This variant has been observed in individual(s) with clinical features of Charcot-Marie-Tooth disease (Invitae). Algorithms developed to predict the effect of sequence changes on RNA splicing suggest that this variant may create or strengthen a splice site, but this prediction has not been confirmed by published transcriptional studies. In summary, the available evidence is currently insufficient to determine the role of this variant in disease. Therefore, it has been classified as a Variant of Uncertain Significance.